The following is an entry in ClinVar:

NM_000484.4(APP):c.1651G>A (p.Val551Met)

Gene: APP (amyloid beta precursor protein; minus strand). Cytogenetic location: 21q21.3.
Variant type: single nucleotide variant.
Coding change: c.1651G>A on transcript NM_000484.4 (MANE Select); coding-DNA position 1651, G replaced by A.
Protein change: p.Val551Met; replaces valine 551 with methionine.
Molecular consequence: missense variant.
Genome position (GRCh38, 1-based): chr21:25,954,626, C>T on the plus strand (G>A on the coding strand, the complement: APP is on the minus strand). VCF-style: chr21-25954626-C-T. GRCh37 (hg19) VCF-style: chr21-27326940-C-T.
Other names: c.1579G>A, p.Val527Met (NM_001136016.3); c.1258G>A, p.Val420Met (NM_001136129.3); c.1483G>A, p.Val495Met (NM_001136130.3, NM_001385253.1); c.1321G>A, p.Val441Met (NM_001136131.3); c.1651G>A, p.Val551Met (NM_001204301.2); c.1594G>A, p.Val532Met (NM_001204302.2, NM_201413.3); c.1426G>A, p.Val476Met (NM_001204303.2, NM_201414.3); short protein forms V420M, V441M, V476M, V495M, V527M, V532M, V551M.
Identifiers: ClinVar variation 1307352 (VCV001307352.7), dbSNP rs761339914, ClinGen allele CA9987246.
Genomic context (GRCh38, chr21:25,954,626, plus strand): 5'-GCATCAAAAGAACAGCTTACTTACCAACTTCATCCTGAATCTCCTCGGCCACTGCAGGCA[C>T]GTTGTAGAGCAGGGAGAGAGACTGATTCATGCGCTCATAAATCACACGGAGGTGTGTCAT-3'
Protein context (NP_000475.1, residues 541-561): MNQSLSLLYN[Val551Met]PAVAEEIQDE

ClinVar aggregate classification (germline): Uncertain significance. Review status: criteria provided, multiple submitters, no conflicts (2 of 4 stars). 2 submissions from 2 submitters: Uncertain significance (2). Last evaluated 2021-12-02.

Conditions:
Alzheimer disease. Also called: Presenile and senile dementia; Alzheimer's disease. Identifiers: Orphanet 1020, MedGen C0002395, MeSH D000544, MONDO:0004975, HP:0002511.

Allele frequency attached by ClinVar (database versions not stated): gnomAD 0.00001; gnomAD exomes 0.00001; TOPMed 0.00001; ExAC 0.00003.
gnomAD v4.1: 10 of 1,613,972 alleles (0.00062%); highest among the groups gnomAD compares: East Asian, 0.0045%; no homozygotes.

Submissions (2):

Labcorp Genetics (formerly Invitae), Labcorp
Classification: Uncertain significance for Alzheimer disease. Last evaluated: 2021-12-02. Review status: criteria provided, single submitter. Criteria: Invitae Variant Classification Sherloc (09022015). Collection method: clinical testing. Allele origin: germline.
Comment: This variant is present in population databases (rs761339914, gnomAD 0.01%). In summary, the available evidence is currently insufficient to determine the role of this variant in disease. Therefore, it has been classified as a Variant of Uncertain Significance. Algorithms developed to predict the effect of missense changes on protein structure and function are either unavailable or do not agree on the potential impact of this missense change (SIFT: "Deleterious"; PolyPhen-2: "Possibly Damaging"; Align-GVGD: "Class C15"). ClinVar contains an entry for this variant (Variation ID: 1307352). This variant has not been reported in the literature in individuals affected with APP-related conditions. This sequence change replaces valine, which is neutral and non-polar, with methionine, which is neutral and non-polar, at codon 551 of the APP protein (p.Val551Met).

GeneDx
Classification: Uncertain significance. Last evaluated: 2019-08-01. Review status: criteria provided, single submitter. Criteria: GeneDx Variant Classification Process June 2021. Collection method: clinical testing. Allele origin: germline. Affected: yes.
Comment: In silico analysis, which includes protein predictors and evolutionary conservation, supports that this variant does not alter protein structure/function; Has not been previously published as pathogenic or benign to our knowledge